The following is an entry in ClinVar:

NM_032217.5(ANKRD17):c.4007del (p.Cys1336fs)

Gene: ANKRD17 (ankyrin repeat domain 17; minus strand). Cytogenetic location: 4q13.3.
Variant type: Deletion.
Coding change: c.4007del on transcript NM_032217.5 (MANE Select); coding-DNA position 4007, one base deleted (G; older notation c.4007delG).
Protein change: p.Cys1336fs; shifts the reading frame from cysteine 1336.
Molecular consequence: frameshift variant.
Genome position (GRCh38, 1-based): chr4:73,120,180, C deleted on the plus strand (G on the coding strand, the reverse complement: ANKRD17 is on the minus strand). VCF-style (leftmost placement, unchanged base first): chr4-73120179-AC-A. GRCh37 (hg19) VCF-style: chr4-73985896-AC-A.
Other names: c.3668del, p.Cys1223fs (NM_001286771.3); c.4004del, p.Cys1335fs (NM_015574.2); c.3254del, p.Cys1085fs (NM_198889.3); short protein forms C1085fs, C1223fs, C1335fs, C1336fs.
Identifiers: ClinVar variation 1308167 (VCV001308167.2), dbSNP rs2148693643, ClinGen allele CA2573052350.

ClinVar aggregate classification (germline): Uncertain significance (1 of 4 stars; one submission).

Submission:

GeneDx
Classification: Uncertain significance. Last evaluated: 2019-08-28. Review status: criteria provided, single submitter. Criteria: GeneDx Variant Classification Process June 2021. Collection method: clinical testing. Allele origin: germline. Affected: yes.
Comment: Not observed in large population cohorts (Lek et al., 2016); Frameshift variant predicted to result in protein truncation or nonsense mediated decay in a gene for which loss-of-function is not a known mechanism of disease; Variants in candidate genes are classified as variants of uncertain significance in accordance with ACMG guidelines (Richards et al., 2015); This variant is associated with the following publications: (PMID: 33909992)